The following is an entry in ClinVar:

NM_000375.3(UROS):c.660+2899G>T

Gene: UROS (uroporphyrinogen III synthase; minus strand). Cytogenetic location: 10q26.2.
Variant type: single nucleotide variant.
Coding change: c.660+2899G>T on transcript NM_000375.3 (MANE Select); 2899 bases into the intron after coding-DNA position 660, G replaced by T.
Molecular consequence: intron variant.
Genome position (GRCh38, 1-based): chr10:125,791,981, C>A on the plus strand (G>T on the coding strand, the complement: UROS is on the minus strand). VCF-style: chr10-125791981-C-A. GRCh37 (hg19) VCF-style: chr10-127480550-C-A.
Other names: c.579+2899G>T (NM_001324038.2); c.580-2618G>T (NM_001324037.2); c.661-2618G>T (NM_001324036.2).
Identifiers: ClinVar variation 4879796 (VCV004879796.1).

ClinVar aggregate classification (germline): Likely pathogenic (1 of 4 stars; one submission).

Conditions:
Congenital erythropoietic porphyria. Also called: GUNTHER DISEASE; UROS DEFICIENCY; Porphyria, Erythropoietic; Congenital porphyria; Günther disease; Uroporphyrinogen III synthase, deficiency of. Identifiers: Orphanet 79277, MedGen C5886774, MONDO:0009902, OMIM 263700.

gnomAD v4.1: 1 of 152,052 alleles (0.00066%); highest among the groups gnomAD compares: South Asian, 0.021%; no homozygotes.

Submission:

Victorian Clinical Genetics Services, Murdoch Childrens Research Institute
Classification: Likely pathogenic for Congenital erythropoietic porphyria. Last evaluated: 2026-07-07. Review status: criteria provided, single submitter. Criteria: ACMG Guidelines, 2015. Collection method: clinical testing. Allele origin: germline. Affected: yes.
Comment: This variant is classified as Likely pathogenic. Evidence in support of pathogenic classification: Non-coding variant with known effect. RNA-sequencing shows that this deep intronic variant results in the inclusion of a pseudo exon in approximately 45% of total transcripts; downstream splicing of this pseudo exon results in either predicted nonsense-mediated decay (NMD) of the transcript, or replacement of the C-terminal of the protein with 40 or 45 novel amino acids which is predicted to escape NMD (Rare Diseases Now, Victoria, Australia); Variant is present in gnomAD <0.01 for a recessive condition (v4: 1 heterozygote(s), 0 homozygote(s)); Variant is located in a gene associated with a severe early-onset recessive condition that is intolerant to biallelic loss of function variants (DECIPHER); Heterozygous variant detected in trans with a PATHOGENIC heterozygous variant (NM_000375.3(UROS):c.217T>C; p.(Cys73Arg)) in a recessive disease. Additional information: This variant is heterozygous; This gene is associated with autosomal recessive disease; Alternative nucleotide change(s) at the same genomic position are present in gnomAD (highest allele count: v4: 3 heterozygote(s), 0 homozygote(s)); Previous evidence of pathogenicity for this variant is inconclusive. This variant has been reported in the literature as homozygous in an individual from a rare disease cohort, however, no patient-specific phenotype was available (PMID: 33726816); No published evidence of segregation with disease has been identified for this variant; Loss of function is a known mechanism of disease in this gene and is associated with congenital erythropoietic porphyria (MIM#263700).

Literature cited by the submitters: PubMed 33726816.